The following is an entry in ClinVar:

ClinVar aggregate classification (germline): Pathogenic (1 of 4 stars; one submission).

Conditions:
Early-infantile DEE. Also called: Early infantile epileptic encephalopathy; Early infantile epileptic encephalopathy with suppression bursts; Ohtahara syndrome. Identifiers: Orphanet 1934, MedGen C0393706, MONDO:0800491.

Submission:

Labcorp Genetics (formerly Invitae), Labcorp
Classification: Pathogenic for Early-infantile DEE. Last evaluated: 2023-02-16. Review status: criteria provided, single submitter. Criteria: Invitae Variant Classification Sherloc (09022015). Collection method: clinical testing. Allele origin: germline.
Comment: This sequence change creates a premature translational stop signal (p.Lys640Argfs*32) in the SCN1A gene. It is expected to result in an absent or disrupted protein product. Loss-of-function variants in SCN1A are known to be pathogenic (PMID: 17347258, 18930999). This variant is not present in population databases (gnomAD no frequency). This variant has not been reported in the literature in individuals affected with SCN1A-related conditions. For these reasons, this variant has been classified as Pathogenic.

Literature cited by the submitters: PubMed 17347258; PubMed 18930999.

NM_001165963.4(SCN1A):c.1919del (p.Lys640fs)

Gene: SCN1A (sodium voltage-gated channel alpha subunit 1; minus strand). Cytogenetic location: 2q24.3.
Variant type: Deletion.
Coding change: c.1919del on transcript NM_001165963.4 (MANE Select); coding-DNA position 1919, one base deleted (A; older notation c.1919delA).
Protein change: p.Lys640fs; shifts the reading frame from lysine 640.
Molecular consequence: frameshift variant. On other transcripts: 5 prime UTR variant (1), non-coding transcript variant (1).
Genome position (GRCh38, 1-based): chr2:166,043,793, T deleted on the plus strand (A on the coding strand, the reverse complement: SCN1A is on the minus strand); the first of 2 consecutive T bases (chr2:166,043,793-166,043,794); deleting either gives the same sequence. VCF-style (leftmost placement, unchanged base first): chr2-166043792-CT-C. GRCh37 (hg19) VCF-style: chr2-166900302-CT-C.
Other names: c.1916del, p.Lys639fs (NM_001353954.2, NM_001353955.2, NM_001353960.2); c.1919del, p.Lys640fs (NM_001353957.2, NM_001353958.2, NM_006920.6 and 7 more transcripts); c.-507del (NM_001353961.2); short protein forms K640fs, K639fs.
Identifiers: ClinVar variation 2838035 (VCV002838035.3), dbSNP rs2468151787, ClinGen allele CA2739271488.
Genomic context (GRCh38, chr2:166,043,792, plus strand): 5'-AGGAACTGAAGGTCCACCAACCAAGGAAACCACACCATTGCAATCCACAGTGCTGTGCAT[CT>C]TCCCATTCGCTGGAAACACTGCCAGCATCCGGGATGACCTACTGGTCTGACTCAGGTTGC-3'